The following is an entry in ClinVar:

NM_015346.4(ZFYVE26):c.3331C>T (p.Leu1111=)

Gene: ZFYVE26 (zinc finger FYVE-type containing 26; minus strand). Cytogenetic location: 14q24.1.
Variant type: single nucleotide variant.
Coding change: c.3331C>T on transcript NM_015346.4 (MANE Select); coding-DNA position 3331, C replaced by T.
Protein change: p.Leu1111=; no amino-acid change (leucine 1111 retained).
Molecular consequence: synonymous variant.
Genome position (GRCh38, 1-based): chr14:67,785,251, G>A on the plus strand (C>T on the coding strand, the complement: ZFYVE26 is on the minus strand). VCF-style: chr14-67785251-G-A. GRCh37 (hg19) VCF-style: chr14-68251968-G-A.
Identifiers: ClinVar variation 3061175 (VCV003061175.2), dbSNP rs2502814401, ClinGen allele CA486776153.
Genomic context (GRCh38, chr14:67,785,251, plus strand): 5'-TCTGGATCTGCACAGGGTGGGCCTCTGCCTCTGGAGCTTTCTGGGCTGCCTGCTCCACCA[G>A]GGAAGACAGTGGAGGAGTCCTGGGCTCTGAGAGGAGGATGGCAGGAGAAAGGACACAGGC-3'
Protein context (NP_056161.2, residues 1101-1121): PEPRTPPLSS[Leu1111=]VEQAAQKAPE

ClinVar aggregate classification (germline): Likely benign (0 of 4 stars; one submission).

Conditions:
ZFYVE26-related disorder. Also called: ZFYVE26-related condition.

Submission:

PreventionGenetics, part of Exact Sciences
Classification: Likely benign for ZFYVE26-related condition. Last evaluated: 2021-07-01. Review status: no assertion criteria provided. Collection method: clinical testing. Allele origin: germline.
Comment: This variant is classified as likely benign based on ACMG/AMP sequence variant interpretation guidelines (Richards et al. 2015 PMID: 25741868, with internal and published modifications).